The following is an entry in ClinVar:

NM_000036.3(AMPD1):c.1385T>C (p.Ile462Thr)

Gene: AMPD1 (adenosine monophosphate deaminase 1; minus strand). Cytogenetic location: 1p13.2.
Variant type: single nucleotide variant.
Coding change: c.1385T>C on transcript NM_000036.3 (MANE Select); coding-DNA position 1385, T replaced by C.
Protein change: p.Ile462Thr; replaces isoleucine 462 with threonine.
Molecular consequence: missense variant.
Genome position (GRCh38, 1-based): chr1:114,677,354, A>G on the plus strand (T>C on the coding strand, the complement: AMPD1 is on the minus strand). VCF-style: chr1-114677354-A-G. GRCh37 (hg19) VCF-style: chr1-115219975-A-G.
Other names: c.1373T>C, p.Ile458Thr (NM_001172626.2); short protein forms I462T, I458T.
Identifiers: ClinVar variation 1498609 (VCV001498609.6), dbSNP rs781739971, ClinGen allele CA1020143.
Genomic context (GRCh38, chr1:114,677,354, plus strand): 5'-ACTTGAAGCAGATGAGACAAGGGCAGGCTCTAGAGTTTCTGATGGGCAGGTACATACTAG[A>G]TCCTGGGAACCTGGATCATCCATGTCATGTTGGGGCAGTGGATGCGATTGCAGACGAACC-3'
Protein context (NP_000027.3, residues 452-472): NMTWMIQVPR[Ile462Thr]YDVFRSKNFL

ClinVar aggregate classification (germline): Uncertain significance (1 of 4 stars; one submission).

Conditions:
Muscle AMP deaminase deficiency (MMDD). Also called: AMPD1 DEFICIENCY; ADENOSINE MONOPHOSPHATE DEAMINASE-1 DEFICIENCY, MYOPATHY DUE TO; Myoadenylate deaminase deficiency, myopathy due to; Adenosine monophosphate deaminase 1 deficiency; AMP deaminase 1 deficiency; Adenosine Monophosphate Deaminase 1. Identifiers: Orphanet 45, MedGen C3714933, MONDO:0014220, OMIM 615511.

Allele frequency attached by ClinVar (database versions not stated): gnomAD exomes below 0.00001 and 0.00001; TOPMed below 0.00001; ExAC 0.00002.
gnomAD v4.1: 1 of 1,609,762 alleles (0.000062%); highest among the groups gnomAD compares: Non-Finnish European, 0.000085%; no homozygotes.

Submission:

Labcorp Genetics (formerly Invitae), Labcorp
Classification: Uncertain significance for Muscle AMP deaminase deficiency. Last evaluated: 2021-06-14. Review status: criteria provided, single submitter. Criteria: Invitae Variant Classification Sherloc (09022015). Collection method: clinical testing. Allele origin: germline.
Comment: This sequence change replaces isoleucine with threonine at codon 495 of the AMPD1 protein (p.Ile495Thr). The isoleucine residue is moderately conserved and there is a moderate physicochemical difference between isoleucine and threonine. In summary, the available evidence is currently insufficient to determine the role of this variant in disease. Therefore, it has been classified as a Variant of Uncertain Significance. Algorithms developed to predict the effect of missense changes on protein structure and function (SIFT, PolyPhen-2, Align-GVGD) all suggest that this variant is likely to be disruptive, but these predictions have not been confirmed by published functional studies and their clinical significance is uncertain. This variant has not been reported in the literature in individuals with AMPD1-related conditions. This variant is present in population databases (rs781739971, ExAC 0.003%).